The following is an entry in ClinVar:

NM_004260.4(RECQL4):c.2309C>T (p.Ala770Val)

Gene: RECQL4 (RecQ like helicase 4; minus strand). Cytogenetic location: 8q24.3.
Variant type: single nucleotide variant.
Coding change: c.2309C>T on transcript NM_004260.4 (MANE Select); coding-DNA position 2309, C replaced by T.
Protein change: p.Ala770Val; replaces alanine 770 with valine.
Molecular consequence: missense variant.
Genome position (GRCh38, 1-based): chr8:144,513,372, G>A on the plus strand (C>T on the coding strand, the complement: RECQL4 is on the minus strand). VCF-style: chr8-144513372-G-A. GRCh37 (hg19) VCF-style: chr8-145738755-G-A.
Other names: c.2309C>T, p.Ala770Val (NM_001413036.1, NM_001413019.1); c.1106C>T, p.Ala369Val (NM_001413037.1); c.2279C>T, p.Ala760Val (NM_001413039.1); c.1238C>T, p.Ala413Val (NM_001413040.1, NM_001413021.1, NM_001413022.1 and 5 more transcripts); c.1172C>T, p.Ala391Val (NM_001413041.1, NM_001413027.1, NM_001413030.1 and 1 more transcripts); c.1208C>T, p.Ala403Val (NM_001413042.1); c.842C>T, p.Ala281Val (NM_001413043.1); c.2213C>T, p.Ala738Val (NM_001413020.1); and 4 more; short protein forms A347V, A391V, A281V, A413V, A726V, A760V, A369V, A403V.
Identifiers: ClinVar variation 1949369 (VCV001949369.5), dbSNP rs776246852, ClinGen allele CA4948339.

ClinVar aggregate classification (germline): Uncertain significance (1 of 4 stars; one submission).

Conditions:
Baller-Gerold syndrome (BGS). Also called: CRANIOSYNOSTOSIS WITH RADIAL DEFECTS. Identifiers: Orphanet 1225, MedGen C0265308, MONDO:0009039, OMIM 218600.

Allele frequency attached by ClinVar (database versions not stated): ExAC 0.00003.
gnomAD v4.1: 2 of 1,606,992 alleles (0.00012%); highest among the groups gnomAD compares: South Asian, 0.0011%; no homozygotes.

Submission:

Labcorp Genetics (formerly Invitae), Labcorp
Classification: Uncertain significance for Baller-Gerold syndrome. Last evaluated: 2022-02-06. Review status: criteria provided, single submitter. Criteria: Invitae Variant Classification Sherloc (09022015). Collection method: clinical testing. Allele origin: germline.
Comment: This variant has not been reported in the literature in individuals affected with RECQL4-related conditions. In summary, the available evidence is currently insufficient to determine the role of this variant in disease. Therefore, it has been classified as a Variant of Uncertain Significance. Experimental studies and prediction algorithms are not available or were not evaluated, and the functional significance of this variant is currently unknown. The frequency data for this variant in the population databases is considered unreliable, as metrics indicate poor data quality at this position in the gnomAD database. This sequence change replaces alanine, which is neutral and non-polar, with valine, which is neutral and non-polar, at codon 770 of the RECQL4 protein (p.Ala770Val).